The following is an entry in ClinVar:

NM_014797.3(ZBTB24):c.607G>C (p.Asp203His)

Gene: ZBTB24 (zinc finger and BTB domain containing 24; minus strand). Cytogenetic location: 6q21.
Variant type: single nucleotide variant.
Coding change: c.607G>C on transcript NM_014797.3 (MANE Select); coding-DNA position 607, G replaced by C.
Protein change: p.Asp203His; replaces aspartic acid 203 with histidine.
Molecular consequence: missense variant.
Genome position (GRCh38, 1-based): chr6:109,481,420, C>G on the plus strand (G>C on the coding strand, the complement: ZBTB24 is on the minus strand). VCF-style: chr6-109481420-C-G. GRCh37 (hg19) VCF-style: chr6-109802623-C-G.
Other names: c.607G>C, p.Asp203His (NM_001164313.2); short protein forms D203H.
Identifiers: ClinVar variation 1516471 (VCV001516471.4), dbSNP rs2115366792, ClinGen allele CA365209825.

ClinVar aggregate classification (germline): Uncertain significance. Review status: criteria provided, multiple submitters, no conflicts (2 of 4 stars). 2 submissions from 2 submitters: Uncertain significance (2). Last evaluated 2021-08-31.

Conditions:
Immunodeficiency-centromeric instability-facial anomalies syndrome 2 (ICF2). Identifiers: Orphanet 2268, MedGen C3279748, MONDO:0013553, OMIM 614069.

Submissions (2):

Labcorp Genetics (formerly Invitae), Labcorp
Classification: Uncertain significance for Immunodeficiency-centromeric instability-facial anomalies syndrome 2. Last evaluated: 2021-08-31. Review status: criteria provided, single submitter. Criteria: Invitae Variant Classification Sherloc (09022015). Collection method: clinical testing. Allele origin: germline.
Comment: This sequence change replaces aspartic acid with histidine at codon 203 of the ZBTB24 protein (p.Asp203His). The aspartic acid residue is moderately conserved and there is a moderate physicochemical difference between aspartic acid and histidine. This variant is not present in population databases (ExAC no frequency). This variant has not been reported in the literature in individuals affected with ZBTB24-related conditions. Algorithms developed to predict the effect of missense changes on protein structure and function are either unavailable or do not agree on the potential impact of this missense change (SIFT: "Not Available"; PolyPhen-2: "Benign"; Align-GVGD: "Not Available"). In summary, the available evidence is currently insufficient to determine the role of this variant in disease. Therefore, it has been classified as a Variant of Uncertain Significance.

Breakthrough Genomics
Classification: Uncertain significance. Review status: criteria provided, single submitter. Criteria: ACMG Guidelines, 2015. Collection method: not provided. Allele origin: germline. Inheritance: Autosomal recessive inheritance. Affected: yes.